The following is an entry in ClinVar:

NM_015459.5(ATL3):c.651_652delinsTT (p.Pro218Ser)

Genes: ATL3 (atlastin GTPase 3; minus strand), LNCROPM (lncRNA regulator of PLAAT3 mediated phospholipid metabolism; plus strand). Cytogenetic location: 11q13.1.
Variant type: Indel.
Coding change: c.651_652delinsTT on transcript NM_015459.5 (MANE Select); coding-DNA positions 651 to 652, CC replaced by TT.
Protein change: p.Pro218Ser; replaces proline 218 with serine.
Molecular consequence: missense variant.
Genome position (GRCh38, 1-based): chr11:63,644,228-63,644,229, GG replaced by AA on the plus strand (CC replaced by TT on the coding strand, the reverse complement: ATL3 is on the minus strand). VCF-style: chr11-63644228-GG-AA. GRCh37 (hg19) VCF-style: chr11-63411700-GG-AA.
Other names: c.597_598delinsTT, p.Pro200Ser (NM_001290048.2); short protein forms P218S, P200S.
Identifiers: ClinVar variation 641805 (VCV000641805.8), dbSNP rs1590729113, ClinGen allele CA915948231.

ClinVar aggregate classification (germline): Uncertain significance (1 of 4 stars; one submission).

Conditions:
Neuropathy, hereditary sensory, type 1F. Also called: HSN IF; Hereditary sensory neuropathy type IF. Identifiers: Orphanet 36386, MedGen C3810194, MONDO:0014286, OMIM 615632.

Submission:

Labcorp Genetics (formerly Invitae), Labcorp
Classification: Uncertain significance for Neuropathy, hereditary sensory, type 1F. Last evaluated: 2025-05-13. Review status: criteria provided, single submitter. Criteria: Invitae Variant Classification Sherloc (09022015). Collection method: clinical testing. Allele origin: germline.
Comment: This sequence change replaces proline, which is neutral and non-polar, with serine, which is neutral and polar, at codon 218 of the ATL3 protein (p.Pro218Ser). Information on the frequency of this variant in the gnomAD database is not available, as this variant may be reported differently in the database. This variant has not been reported in the literature in individuals affected with ATL3-related conditions. ClinVar contains an entry for this variant (Variation ID: 641805). Experimental studies and prediction algorithms are not available or were not evaluated, and the functional significance of this variant is currently unknown. In summary, the available evidence is currently insufficient to determine the role of this variant in disease. Therefore, it has been classified as a Variant of Uncertain Significance.